The following is an entry in ClinVar:

ClinVar aggregate classification (germline): Benign/Likely benign. Review status: criteria provided, multiple submitters, no conflicts (2 of 4 stars). 3 submissions from 3 submitters: Benign (1); Likely benign (2). Last evaluated 2026-05-04.

Conditions:
Colorectal cancer, hereditary nonpolyposis, type 7. Identifiers: Orphanet 144, MedGen C1858380, MONDO:0013725, OMIM 614385.

Allele frequency attached by ClinVar (database versions not stated): ExAC 0.00002; gnomAD 0.00001.

Submissions (3):

Myriad Genetics, Inc.
Classification: Benign for Colorectal cancer, hereditary nonpolyposis, type 7. Last evaluated: 2026-05-04. Review status: criteria provided, single submitter. Criteria: Myriad Autosomal Dominant, Autosomal Recessive and X-Linked Classification Criteria (2023). Collection method: clinical testing. Allele origin: unknown.
Comment: This variant is considered benign. This variant is a silent/synonymous amino acid change and it is not expected to impact splicing.

Labcorp Genetics (formerly Invitae), Labcorp
Classification: Likely benign for Colorectal cancer, hereditary nonpolyposis, type 7. Last evaluated: 2023-06-24. Review status: criteria provided, single submitter. Criteria: Invitae Variant Classification Sherloc (09022015). Collection method: clinical testing. Allele origin: germline.

Ambry Genetics
Classification: Likely benign. Last evaluated: 2019-11-16. Review status: criteria provided, single submitter. Criteria: Ambry Variant Classification Scheme 2023. Collection method: clinical testing. Allele origin: germline.

NM_001040108.2(MLH3):c.2220C>T (p.Ile740=)

Gene: MLH3 (mutL homolog 3; minus strand). Cytogenetic location: 14q24.3.
Variant type: single nucleotide variant.
Coding change: c.2220C>T on transcript NM_001040108.2 (MANE Select); coding-DNA position 2220, C replaced by T.
Protein change: p.Ile740=; no amino-acid change (isoleucine 740 retained).
Molecular consequence: synonymous variant.
Genome position (GRCh38, 1-based): chr14:75,047,436, G>A on the plus strand (C>T on the coding strand, the complement: MLH3 is on the minus strand). VCF-style: chr14-75047436-G-A. GRCh37 (hg19) VCF-style: chr14-75514139-G-A.
Other names: c.2220C>T, p.Ile740= (NM_014381.3).
Identifiers: ClinVar variation 1787920 (VCV001787920.6), dbSNP rs751551436, ClinGen allele CA7275734.
Genomic context (GRCh38, chr14:75,047,436, plus strand): 5'-TTGCCTCTTAAACTTCTCTAAAGATCCTAGCTGTGAACTCAAGCTTAGCTTCTTACGGAC[G>A]ATTGGTTTGGAGAAACCAATTAATTTATCTGTTTTCCTACTATCATTGGAAACGTGTCTA-3'
Protein context (NP_001035197.1, residues 730-750): TDKLIGFSKP[Ile740=]VRKKLSLSSQ